The following is an entry in ClinVar:

ClinVar aggregate classification (germline): Uncertain significance (1 of 4 stars; one submission).

Conditions:
Ehlers-Danlos syndrome, classic type, 1 (EDSCL1). Also called: EHLERS-DANLOS SYNDROME, GRAVIS TYPE; EHLERS-DANLOS SYNDROME, SEVERE CLASSIC TYPE; Ehlers-Danlos syndrome, type 1; Ehlers-Danlos Syndrome, Classic Type, COL5A1-Related; EDS I. Identifiers: MedGen C0268335, MONDO:0019567, OMIM 130000.

Submission:

Labcorp Genetics (formerly Invitae), Labcorp
Classification: Uncertain significance for Ehlers-Danlos syndrome, classic type, 1. Last evaluated: 2024-08-01. Review status: criteria provided, single submitter. Criteria: Invitae Variant Classification Sherloc (09022015). Collection method: clinical testing. Allele origin: germline.
Comment: This sequence change replaces aspartic acid, which is acidic and polar, with tyrosine, which is neutral and polar, at codon 439 of the COL5A1 protein (p.Asp439Tyr). This variant is not present in population databases (gnomAD no frequency). This variant has not been reported in the literature in individuals affected with COL5A1-related conditions. Advanced modeling of protein sequence and biophysical properties (such as structural, functional, and spatial information, amino acid conservation, physicochemical variation, residue mobility, and thermodynamic stability) performed at Invitae indicates that this missense variant is not expected to disrupt COL5A1 protein function with a negative predictive value of 95%. In summary, the available evidence is currently insufficient to determine the role of this variant in disease. Therefore, it has been classified as a Variant of Uncertain Significance.

NM_000093.5(COL5A1):c.1315G>T (p.Asp439Tyr)

Gene: COL5A1 (collagen type V alpha 1 chain; plus strand). Cytogenetic location: 9q34.3.
Variant type: single nucleotide variant.
Coding change: c.1315G>T on transcript NM_000093.5 (MANE Select); coding-DNA position 1315, G replaced by T.
Protein change: p.Asp439Tyr; replaces aspartic acid 439 with tyrosine.
Molecular consequence: missense variant.
Genome position (GRCh38, 1-based): chr9:134,731,646, G>T. VCF-style: chr9-134731646-G-T. GRCh37 (hg19) VCF-style: chr9-137623492-G-T.
Other names: c.1315G>T, p.Asp439Tyr (NM_001278074.1); short protein forms D439Y.
Identifiers: ClinVar variation 3705363 (VCV003705363.2).